The following is an entry in ClinVar:

NM_003126.4(SPTA1):c.2655T>C (p.Arg885=)

Gene: SPTA1 (spectrin alpha, erythrocytic 1; minus strand). Cytogenetic location: 1q23.1.
Variant type: single nucleotide variant.
Coding change: c.2655T>C on transcript NM_003126.4 (MANE Select); coding-DNA position 2655, T replaced by C.
Protein change: p.Arg885=; no amino-acid change (arginine 885 retained).
Molecular consequence: synonymous variant.
Genome position (GRCh38, 1-based): chr1:158,657,627, A>G on the plus strand (T>C on the coding strand, the complement: SPTA1 is on the minus strand). VCF-style: chr1-158657627-A-G. GRCh37 (hg19) VCF-style: chr1-158627417-A-G.
Identifiers: ClinVar variation 293008 (VCV000293008.18), dbSNP rs368544526, ClinGen allele CA1183319.

ClinVar aggregate classification (germline): Conflicting classifications of pathogenicity. Review status: criteria provided, conflicting classifications (1 of 4 stars). 5 submissions from 3 submitters: Uncertain significance (2); Benign (1); Likely benign (2). Last evaluated 2026-01-04.

Conditions:
Pyropoikilocytosis, hereditary. Also called: Pyropoikilocytosis. Identifiers: MedGen C0520739, MONDO:0009948, OMIM 266140, HP:0004839. Disease mechanism: loss of function.
Hereditary spherocytosis type 3. Also called: Spherocytosis type 3; SPTA1-Related Spherocytosis. Identifiers: Orphanet 822, MedGen C2678338, MONDO:0010053, OMIM 270970.
Elliptocytosis 2 (EL2). Also called: ELLIPTOCYTOSIS, RHESUS-UNLINKED TYPE. Identifiers: Orphanet 288, MedGen C1851741, MONDO:0007533, OMIM 130600.

Allele frequency attached by ClinVar (database versions not stated): gnomAD exomes 0.00008 and 0.00023; ExAC 0.00028; 1000 Genomes Project 30x 0.00031; 1000 Genomes Project 0.00040; ESP Exome Variant Server 0.00081; gnomAD 0.00096 and 0.00101; TOPMed 0.00108.
gnomAD v4.1: 272 of 1,614,150 alleles (0.017%); highest among the groups gnomAD compares: African/African-American, 0.33%; 1 homozygote.

Submissions (5):

Labcorp Genetics (formerly Invitae), Labcorp
Classification: Benign. Last evaluated: 2026-01-04. Review status: criteria provided, single submitter. Criteria: Invitae Variant Classification Sherloc (09022015). Collection method: clinical testing. Allele origin: germline.

ARUP Laboratories, Molecular Genetics and Genomics, ARUP Laboratories
Classification: Likely benign. Last evaluated: 2022-02-24. Review status: criteria provided, single submitter. Criteria: ARUP Molecular Germline Variant Investigation Process 2021. Collection method: clinical testing. Allele origin: germline.

Illumina Laboratory Services, Illumina
Classification: Likely benign for Elliptocytosis 2. Last evaluated: 2018-01-13. Review status: criteria provided, single submitter. Criteria: ICSL Variant Classification Criteria 13 December 2019. Collection method: clinical testing. Allele origin: germline.
Comment: This variant was observed in the ICSL laboratory as part of a predisposition screen in an ostensibly healthy population. It had not been previously curated by ICSL or reported in the Human Gene Mutation Database (HGMD: prior to June 1st, 2018), and was therefore a candidate for classification through an automated scoring system. Utilizing variant allele frequency, disease prevalence and penetrance estimates, and inheritance mode, an automated score was calculated to assess if this variant is too frequent to cause the disease. Based on the score and internal cut-off values, a variant classified as likely benign is not then subjected to further curation. The score for this variant resulted in a classification of likely benign for this disease.

Illumina Laboratory Services, Illumina
Classification: Uncertain significance for Hereditary spherocytosis type 3. Last evaluated: 2018-01-13. Review status: criteria provided, single submitter. Criteria: ICSL Variant Classification Criteria 13 December 2019. Collection method: clinical testing. Allele origin: germline.

Illumina Laboratory Services, Illumina
Classification: Uncertain significance for Pyropoikilocytosis, hereditary. Last evaluated: 2018-01-13. Review status: criteria provided, single submitter. Criteria: ICSL Variant Classification Criteria 13 December 2019. Collection method: clinical testing. Allele origin: germline.